The following is an entry in ClinVar:

ClinVar aggregate classification (germline): Uncertain significance (1 of 4 stars; one submission).

Conditions:
Werner syndrome (WRN). Identifiers: Orphanet 902, MedGen C0043119, MONDO:0010196, OMIM 277700.

Allele frequency attached by ClinVar (database versions not stated): gnomAD 0.00001; TOPMed 0.00004; gnomAD exomes 0.00007; ExAC 0.00008.
gnomAD v4.1: 18 of 1,608,750 alleles (0.0011%); highest among the groups gnomAD compares: Admixed American, 0.03%; no homozygotes.

Submission:

Labcorp Genetics (formerly Invitae), Labcorp
Classification: Uncertain significance for Werner syndrome. Last evaluated: 2025-07-31. Review status: criteria provided, single submitter. Criteria: Invitae Variant Classification Sherloc (09022015). Collection method: clinical testing. Allele origin: germline.
Comment: This sequence change replaces valine, which is neutral and non-polar, with leucine, which is neutral and non-polar, at codon 234 of the WRN protein (p.Val234Leu). This variant is present in population databases (rs769291583, gnomAD 0.05%). This variant has not been reported in the literature in individuals affected with WRN-related conditions. ClinVar contains an entry for this variant (Variation ID: 665808). An algorithm developed to predict the effect of missense changes on protein structure and function (PolyPhen-2) suggests that this variant is likely to be tolerated. In summary, the available evidence is currently insufficient to determine the role of this variant in disease. Therefore, it has been classified as a Variant of Uncertain Significance.

NM_000553.6(WRN):c.700G>C (p.Val234Leu)

Gene: WRN (WRN RecQ like helicase; plus strand). Cytogenetic location: 8p12.
Variant type: single nucleotide variant.
Coding change: c.700G>C on transcript NM_000553.6 (MANE Select); coding-DNA position 700, G replaced by C.
Protein change: p.Val234Leu; replaces valine 234 with leucine.
Molecular consequence: missense variant.
Genome position (GRCh38, 1-based): chr8:31,068,303, G>C. VCF-style: chr8-31068303-G-C. GRCh37 (hg19) VCF-style: chr8-30925819-G-C.
Other names: short protein forms V234L.
Identifiers: ClinVar variation 665808 (VCV000665808.7), dbSNP rs769291583, ClinGen allele CA4704139.